The following is an entry in ClinVar:

NM_002439.5(MSH3):c.1988T>C (p.Ile663Thr)

Gene: MSH3 (mutS homolog 3; plus strand). Cytogenetic location: 5q14.1.
Variant type: single nucleotide variant.
Coding change: c.1988T>C on transcript NM_002439.5 (MANE Select); coding-DNA position 1988, T replaced by C.
Protein change: p.Ile663Thr; replaces isoleucine 663 with threonine.
Molecular consequence: missense variant.
Genome position (GRCh38, 1-based): chr5:80,768,024, T>C. VCF-style: chr5-80768024-T-C. GRCh37 (hg19) VCF-style: chr5-80063843-T-C.
Other names: short protein forms I663T.
Identifiers: ClinVar variation 3721487 (VCV003721487.2).
Genomic context (GRCh38, chr5:80,768,024, plus strand): 5'-AAACTTTATATCACCTAAAGTCAGAATTTCAAGCAATAATACCTGCTGTTAATTCCCACA[T>C]TCAGTCAGACTTGCTCCGGACCGTTATTTTAGAAATTCCTGAACTCCTCAGTCCAGTGGA-3'
Protein context (NP_002430.3, residues 653-673): QAIIPAVNSH[Ile663Thr]QSDLLRTVIL

ClinVar aggregate classification (germline): Uncertain significance (1 of 4 stars; one submission).

Submission:

Labcorp Genetics (formerly Invitae), Labcorp
Classification: Uncertain significance. Last evaluated: 2025-07-07. Review status: criteria provided, single submitter. Criteria: Invitae Variant Classification Sherloc (09022015). Collection method: clinical testing. Allele origin: germline.
Comment: This sequence change replaces isoleucine, which is neutral and non-polar, with threonine, which is neutral and polar, at codon 663 of the MSH3 protein (p.Ile663Thr). This variant is not present in population databases (gnomAD no frequency). This variant has not been reported in the literature in individuals affected with MSH3-related conditions. ClinVar contains an entry for this variant (Variation ID: 3721487). An algorithm developed to predict the effect of missense changes on protein structure and function (PolyPhen-2) suggests that this variant is likely to be tolerated. In summary, the available evidence is currently insufficient to determine the role of this variant in disease. Therefore, it has been classified as a Variant of Uncertain Significance.